The following is an entry in ClinVar:

ClinVar aggregate classification (germline): Benign. Review status: criteria provided, multiple submitters, no conflicts (2 of 4 stars). 3 submissions from 3 submitters: Benign (3). Last evaluated 2025-12-01.

Conditions:
Familial acute necrotizing encephalopathy (IIAE3). Also called: ENCEPHALOPATHY, ACUTE, INFECTION-INDUCED, SUSCEPTIBILITY TO, 3; Susceptibility to Acute Necrotizing Encephalopathy 1. Identifiers: Orphanet 88619, MedGen C2675556, MONDO:0011953, OMIM 608033.

Allele frequency attached by ClinVar (database versions not stated): gnomAD exomes 0.00201 and 0.00556; ExAC 0.00685; gnomAD 0.02123 and 0.02270; ESP Exome Variant Server 0.02238; TOPMed 0.02370; 1000 Genomes Project 0.02416; 1000 Genomes Project 30x 0.02545.
gnomAD v4.1: 6,304 of 1,613,976 alleles (0.39%); highest among the groups gnomAD compares: African/African-American, 7.4%; 220 homozygotes.

Submissions (3):

Labcorp Genetics (formerly Invitae), Labcorp
Classification: Benign for Familial acute necrotizing encephalopathy. Last evaluated: 2025-12-01. Review status: criteria provided, single submitter. Criteria: Invitae Variant Classification Sherloc (09022015). Collection method: clinical testing. Allele origin: germline.

GeneDx
Classification: Benign. Last evaluated: 2016-02-22. Review status: criteria provided, single submitter. Criteria: GeneDx Variant Classification (06012015). Collection method: clinical testing. Allele origin: germline. Affected: yes.
Comment: This variant is considered likely benign or benign based on one or more of the following criteria: it is a conservative change, it occurs at a poorly conserved position in the protein, it is predicted to be benign by multiple in silico algorithms, and/or has population frequency not consistent with disease.

Breakthrough Genomics
Classification: Benign. Review status: criteria provided, single submitter. Criteria: ACMG Guidelines, 2015. Collection method: not provided. Allele origin: germline. Inheritance: Autosomal dominant inheritance. Affected: yes.

NM_006267.5(RANBP2):c.3597G>A (p.Ala1199=)

Gene: RANBP2 (RAN binding protein 2; plus strand). Cytogenetic location: 2q13.
Variant type: single nucleotide variant.
Coding change: c.3597G>A on transcript NM_006267.5 (MANE Select); coding-DNA position 3597, G replaced by A.
Protein change: p.Ala1199=; no amino-acid change (alanine 1199 retained).
Molecular consequence: synonymous variant.
Genome position (GRCh38, 1-based): chr2:108,764,136, G>A. VCF-style: chr2-108764136-G-A. GRCh37 (hg19) VCF-style: chr2-109380592-G-A.
Identifiers: ClinVar variation 382090 (VCV000382090.13), dbSNP rs17036806, ClinGen allele CA1822977.